The following is an entry in ClinVar:

NM_006031.6(PCNT):c.6862G>A (p.Ala2288Thr)

Gene: PCNT (pericentrin; plus strand). Cytogenetic location: 21q22.3.
Variant type: single nucleotide variant.
Coding change: c.6862G>A on transcript NM_006031.6 (MANE Select); coding-DNA position 6862, G replaced by A.
Protein change: p.Ala2288Thr; replaces alanine 2288 with threonine.
Molecular consequence: missense variant.
Genome position (GRCh38, 1-based): chr21:46,416,780, G>A. VCF-style: chr21-46416780-G-A. GRCh37 (hg19) VCF-style: chr21-47836694-G-A.
Other names: c.6508G>A, p.Ala2170Thr (NM_001315529.2); short protein forms A2170T, A2288T.
Identifiers: ClinVar variation 4980134 (VCV004980134.1).
Genomic context (GRCh38, chr21:46,416,780, plus strand): 5'-CTGCCACAGACCCAGGGGCCGGGGCTGCTTTGTTCCCCAGGCGTGTCTGCAGCAGCGCTG[G>A]CACTGCAGTGGGCCGAGTCTCCGCCGGCTGACGACCACCATGTGCAGAGGACGGCTGTGG-3'
Protein context (NP_006022.3, residues 2278-2298): CSPGVSAAAL[Ala2288Thr]LQWAESPPAD

ClinVar aggregate classification (germline): Uncertain significance (1 of 4 stars; one submission).

Conditions:
PCNT-related disorder. Also called: PCNT-related condition.

gnomAD v4.1: 2 of 1,602,990 alleles (0.00012%); highest among the groups gnomAD compares: Non-Finnish European, 0.00017%; no homozygotes.

Submission:

PreventionGenetics, part of Exact Sciences
Classification: Uncertain significance for PCNT-related condition. Last evaluated: 2025-10-24. Review status: criteria provided, single submitter. Criteria: ACMG Guidelines, 2015. Collection method: clinical testing. Allele origin: germline.
Comment: The PCNT c.6862G>A variant is predicted to result in the amino acid substitution p.Ala2288Thr. To our knowledge, this variant has not been reported in the literature. This variant is reported in 0.00094% of alleles in individuals of European (Non-Finnish) descent in gnomAD. At this time, the clinical significance of this variant is uncertain due to the absence of conclusive functional and genetic evidence.